The following is an entry in ClinVar:

NM_022124.6(CDH23):c.3151G>A (p.Val1051Ile)

Gene: CDH23 (cadherin related 23; plus strand). Cytogenetic location: 10q22.1.
Variant type: single nucleotide variant.
Coding change: c.3151G>A on transcript NM_022124.6 (MANE Select); coding-DNA position 3151, G replaced by A.
Protein change: p.Val1051Ile; replaces valine 1051 with isoleucine.
Molecular consequence: missense variant.
Genome position (GRCh38, 1-based): chr10:71,709,142, G>A. VCF-style: chr10-71709142-G-A. GRCh37 (hg19) VCF-style: chr10-73468899-G-A.
Other names: c.3151G>A, p.Val1051Ile (NM_001171930.2); short protein forms V1051I.
Identifiers: ClinVar variation 227222 (VCV000227222.6), dbSNP rs876657439, ClinGen allele CA10576812.

ClinVar aggregate classification (germline): Conflicting classifications of pathogenicity. Review status: criteria provided, conflicting classifications (1 of 4 stars). 2 submissions from 2 submitters: Uncertain significance (1); Likely benign (1). Last evaluated 2022-10-25.

Allele frequency attached by ClinVar (database versions not stated): gnomAD 0.00001; TOPMed 0.00001.
gnomAD v4.1: 5 of 1,613,850 alleles (0.00031%); highest among the groups gnomAD compares: African/African-American, 0.0027%; no homozygotes.

Submissions (2):

Labcorp Genetics (formerly Invitae), Labcorp
Classification: Uncertain significance. Last evaluated: 2022-10-25. Review status: criteria provided, single submitter. Criteria: Invitae Variant Classification Sherloc (09022015). Collection method: clinical testing. Allele origin: germline.
Comment: This sequence change replaces valine, which is neutral and non-polar, with isoleucine, which is neutral and non-polar, at codon 1051 of the CDH23 protein (p.Val1051Ile). This variant is present in population databases (no rsID available, gnomAD 0.02%). This variant has not been reported in the literature in individuals affected with CDH23-related conditions. ClinVar contains an entry for this variant (Variation ID: 227222). Advanced modeling of protein sequence and biophysical properties (such as structural, functional, and spatial information, amino acid conservation, physicochemical variation, residue mobility, and thermodynamic stability) performed at Invitae indicates that this missense variant is not expected to disrupt CDH23 protein function. In summary, the available evidence is currently insufficient to determine the role of this variant in disease. Therefore, it has been classified as a Variant of Uncertain Significance.

Laboratory for Molecular Medicine, Mass General Brigham Personalized Medicine
Classification: Likely benign. Last evaluated: 2015-08-05. Review status: criteria provided, single submitter. Criteria: LMM Criteria. Collection method: clinical testing. Allele origin: germline. Observed: 1 variant allele.
Comment: p.Val1051Ile in exon 27 of CDH23: This variant is not expected to have clinical significance due to a lack of conservation across species, including mammals. Of note, 4 mammals have an isoleucine (Ile) at this position despite high nearby a mino acid conservation. In addition, computational prediction tools do not sugge st a high likelihood of impact to the protein.